The following is an entry in ClinVar:

ClinVar aggregate classification (germline): Uncertain significance (1 of 4 stars; one submission).

Conditions:
Parathyroid carcinoma (PRTC). Also called: CDC73-Related Parathyroid Carcinoma; Parathyroid gland carcinoma. Identifiers: Orphanet 143, MedGen C0687150, MONDO:0012004, OMIM 608266, HP:0006780.

Allele frequency attached by ClinVar (database versions not stated): TOPMed below 0.00001.

Submission:

Labcorp Genetics (formerly Invitae), Labcorp
Classification: Uncertain significance for Parathyroid carcinoma. Last evaluated: 2022-10-20. Review status: criteria provided, single submitter. Criteria: Invitae Variant Classification Sherloc (09022015). Collection method: clinical testing. Allele origin: germline.
Comment: In summary, the available evidence is currently insufficient to determine the role of this variant in disease. Therefore, it has been classified as a Variant of Uncertain Significance. Advanced modeling of protein sequence and biophysical properties (such as structural, functional, and spatial information, amino acid conservation, physicochemical variation, residue mobility, and thermodynamic stability) performed at Invitae indicates that this missense variant is not expected to disrupt CDC73 protein function. This variant has not been reported in the literature in individuals affected with CDC73-related conditions. This variant is not present in population databases (gnomAD no frequency). This sequence change replaces serine, which is neutral and polar, with arginine, which is basic and polar, at codon 6 of the CDC73 protein (p.Ser6Arg).

NM_024529.5(CDC73):c.18C>A (p.Ser6Arg)

Gene: CDC73 (cell division cycle 73; plus strand). Cytogenetic location: 1q31.2.
Variant type: single nucleotide variant.
Coding change: c.18C>A on transcript NM_024529.5 (MANE Select); coding-DNA position 18, C replaced by A.
Protein change: p.Ser6Arg; replaces serine 6 with arginine.
Molecular consequence: missense variant.
Genome position (GRCh38, 1-based): chr1:193,122,218, C>A. VCF-style: chr1-193122218-C-A. GRCh37 (hg19) VCF-style: chr1-193091348-C-A.
Other names: short protein forms S6R.
Identifiers: ClinVar variation 2809114 (VCV002809114.3), dbSNP rs564726032, ClinGen allele CA343972758.
Genomic context (GRCh38, chr1:193,122,218, plus strand): 5'-GCAGCGGCGGCGCCCCGAGCCGGCGGAGGCGAGGGGGGGGAAGATGGCGGACGTGCTTAG[C>A]GTCCTGCGACAGTACAACATCCAGAAGAAGGAGATTGTGGTGAAGGGAGACGAAGTGATC-3'
Protein context (NP_078805.3, residues 1-16): MADVL[Ser6Arg]VLRQYNIQKK